The following is an entry in ClinVar:

NM_015425.6(POLR1A):c.1960A>G (p.Met654Val)

Gene: POLR1A (RNA polymerase I subunit A; minus strand). Cytogenetic location: 2p11.2.
Variant type: single nucleotide variant.
Coding change: c.1960A>G on transcript NM_015425.6 (MANE Select); coding-DNA position 1960, A replaced by G.
Protein change: p.Met654Val; replaces methionine 654 with valine.
Molecular consequence: missense variant.
Genome position (GRCh38, 1-based): chr2:86,065,372, T>C on the plus strand (A>G on the coding strand, the complement: POLR1A is on the minus strand). VCF-style: chr2-86065372-T-C. GRCh37 (hg19) VCF-style: chr2-86292495-T-C.
Other names: short protein forms M654V.
Identifiers: ClinVar variation 5018837 (VCV005018837.2).

ClinVar aggregate classification (germline): Uncertain significance (1 of 4 stars; one submission).

Conditions:
Leukodystrophy, hypomyelinating, 27 (HLD27). Identifiers: MedGen C5882743, MONDO:0958018, OMIM 620675.
Acrofacial dysostosis Cincinnati type. Identifiers: Orphanet 1200, MedGen C4225317, MONDO:0014651, OMIM 616462.

gnomAD v4.1: 2 of 1,614,046 alleles (0.00012%); highest among the groups gnomAD compares: East Asian, 0.0022%; no homozygotes.

Submission:

Juno Genomics, Hangzhou Juno Genomics, Inc
Classification: Uncertain significance for Leukodystrophy, hypomyelinating, 27; Acrofacial dysostosis Cincinnati type. Review status: criteria provided, single submitter. Criteria: ACMG Guidelines, 2015. Collection method: clinical testing. Allele origin: germline.
Comment: Absent from controls (or at extremely low frequency if recessive) in Genome Aggregation Database.;Missense variant in a gene that has a low rate of benign missense variation.